The following is an entry in ClinVar:

ClinVar aggregate classification (germline): Uncertain significance. Review status: criteria provided, multiple submitters, no conflicts (2 of 4 stars). 2 submissions from 2 submitters: Uncertain significance (2). Last evaluated 2022-11-09.

Conditions:
Hereditary cancer-predisposing syndrome. Also called: Hereditary Cancer Syndrome; Hereditary neoplastic syndrome; Neoplastic Syndromes, Hereditary; Tumor predisposition. Identifiers: Orphanet 140162, MedGen C0027672, MeSH D009386, MONDO:0015356.
Renal cell carcinoma. Identifiers: Orphanet 217071, MedGen C0007134, MeSH D002292, MONDO:0005086, HP:0005584.

Submissions (2):

Labcorp Genetics (formerly Invitae), Labcorp
Classification: Uncertain significance for Renal cell carcinoma. Last evaluated: 2022-11-09. Review status: criteria provided, single submitter. Criteria: Invitae Variant Classification Sherloc (09022015). Collection method: clinical testing. Allele origin: germline.
Comment: In summary, the available evidence is currently insufficient to determine the role of this variant in disease. Therefore, it has been classified as a Variant of Uncertain Significance. Algorithms developed to predict the effect of missense changes on protein structure and function are either unavailable or do not agree on the potential impact of this missense change (SIFT: "Deleterious"; PolyPhen-2: "Probably Damaging"; Align-GVGD: "Class C0"). This variant has not been reported in the literature in individuals affected with MET-related conditions. This variant is not present in population databases (gnomAD no frequency). This sequence change replaces histidine, which is basic and polar, with arginine, which is basic and polar, at codon 476 of the MET protein (p.His476Arg).

Ambry Genetics
Classification: Uncertain significance for Hereditary cancer-predisposing syndrome. Last evaluated: 2021-02-02. Review status: criteria provided, single submitter. Criteria: Ambry Variant Classification Scheme 2023. Collection method: clinical testing. Allele origin: germline.
Comment: The p.H476R variant (also known as c.1427A>G), located in coding exon 3 of the MET gene, results from an A to G substitution at nucleotide position 1427. The histidine at codon 476 is replaced by arginine, an amino acid with highly similar properties. This amino acid position is highly conserved in available vertebrate species. In addition, the in silico prediction for this alteration is inconclusive. Since supporting evidence is limited at this time, the clinical significance of this alteration remains unclear.

NM_000245.4(MET):c.1427A>G (p.His476Arg)

Gene: MET (MET proto-oncogene, receptor tyrosine kinase; plus strand). Cytogenetic location: 7q31.2.
Variant type: single nucleotide variant.
Coding change: c.1427A>G on transcript NM_000245.4 (MANE Select); coding-DNA position 1427, A replaced by G.
Protein change: p.His476Arg; replaces histidine 476 with arginine.
Molecular consequence: missense variant.
Genome position (GRCh38, 1-based): chr7:116,739,984, A>G. VCF-style: chr7-116739984-A-G. GRCh37 (hg19) VCF-style: chr7-116380038-A-G.
Other names: c.1427A>G, p.His476Arg (NM_001127500.3, NM_001324401.3); c.137A>G, p.His46Arg (NM_001324402.2); short protein forms H46R, H476R.
Identifiers: ClinVar variation 1772394 (VCV001772394.5), dbSNP rs2485637914, ClinGen allele CA368974069.